The following is an entry in ClinVar:

ClinVar aggregate classification (germline): Conflicting classifications of pathogenicity. Review status: criteria provided, conflicting classifications (1 of 4 stars). 2 submissions from 2 submitters: Uncertain significance (1); Likely benign (1). Last evaluated 2024-11-14.

Allele frequency attached by ClinVar (database versions not stated): gnomAD 0.00003; TOPMed 0.00003.
gnomAD v4.1: 11 of 1,612,938 alleles (0.00068%); highest among the groups gnomAD compares: African/African-American, 0.0093%; no homozygotes.

Submissions (2):

Mayo Clinic Laboratories, Mayo Clinic
Classification: Uncertain significance. Last evaluated: 2024-11-14. Review status: criteria provided, single submitter. Criteria: ACMG Guidelines, 2015. Collection method: clinical testing. Allele origin: germline. Observed: 1 variant allele.

GeneDx
Classification: Likely benign. Last evaluated: 2017-06-16. Review status: criteria provided, single submitter. Criteria: GeneDx Variant Classification (06012015). Collection method: clinical testing. Allele origin: germline. Affected: yes.
Comment: This variant is considered likely benign or benign based on one or more of the following criteria: it is a conservative change, it occurs at a poorly conserved position in the protein, it is predicted to be benign by multiple in silico algorithms, and/or has population frequency not consistent with disease.

NM_001267550.2(TTN):c.3086A>G (p.Tyr1029Cys)

Gene: TTN (titin; minus strand). Cytogenetic location: 2q31.2.
Variant type: single nucleotide variant.
Coding change: c.3086A>G on transcript NM_001267550.2 (MANE Select); coding-DNA position 3086, A replaced by G.
Protein change: p.Tyr1029Cys; replaces tyrosine 1029 with cysteine.
Molecular consequence: missense variant.
Genome position (GRCh38, 1-based): chr2:178,782,820, T>C on the plus strand (A>G on the coding strand, the complement: TTN is on the minus strand). VCF-style: chr2-178782820-T-C. GRCh37 (hg19) VCF-style: chr2-179647547-T-C.
Other names: p.Tyr1029Cys; c.3086A>G, p.Tyr1029Cys (NM_001256850.1, NM_133378.4, NM_133379.5); c.2948A>G, p.Tyr983Cys (NM_003319.4, NM_133432.3, NM_133437.4); short protein forms Y1029C, Y983C.
Identifiers: ClinVar variation 518178 (VCV000518178.2), dbSNP rs774126306, ClinGen allele CA2005655.